The following is an entry in ClinVar:

NM_004612.4(TGFBR1):c.307C>G (p.Gln103Glu)

Gene: TGFBR1 (transforming growth factor beta receptor 1; plus strand). Cytogenetic location: 9q22.33.
Variant type: single nucleotide variant.
Coding change: c.307C>G on transcript NM_004612.4 (MANE Select); coding-DNA position 307, C replaced by G.
Protein change: p.Gln103Glu; replaces glutamine 103 with glutamic acid.
Molecular consequence: missense variant.
Genome position (GRCh38, 1-based): chr9:99,129,064, C>G. VCF-style: chr9-99129064-C-G. GRCh37 (hg19) VCF-style: chr9-101891346-C-G.
Other names: c.307C>G, p.Gln103Glu (NM_001130916.3, NM_001306210.2); c.307C>G (NM_004612.2); short protein forms Q103E.
Identifiers: ClinVar variation 1405996 (VCV001405996.8), dbSNP rs1827131236, ClinGen allele CA374226318.

ClinVar aggregate classification (germline): Uncertain significance. Review status: criteria provided, multiple submitters, no conflicts (2 of 4 stars). 2 submissions from 2 submitters: Uncertain significance (2). Last evaluated 2025-01-13.

Conditions:
Familial thoracic aortic aneurysm and aortic dissection (TAAD). Also called: Thoracic aortic aneurysms and dissections. Identifiers: Orphanet 91387, MedGen C4707243, MONDO:0019625.

Allele frequency attached by ClinVar (database versions not stated): gnomAD exomes below 0.00001; TOPMed below 0.00001.
gnomAD v4.1: 2 of 1,613,928 alleles (0.00012%); highest among the groups gnomAD compares: Non-Finnish European, 0.00017%; no homozygotes.

Submissions (2):

Labcorp Genetics (formerly Invitae), Labcorp
Classification: Uncertain significance for Familial thoracic aortic aneurysm and aortic dissection. Last evaluated: 2025-01-13. Review status: criteria provided, single submitter. Criteria: Invitae Variant Classification Sherloc (09022015). Collection method: clinical testing. Allele origin: germline.
Comment: This sequence change replaces glutamine, which is neutral and polar, with glutamic acid, which is acidic and polar, at codon 103 of the TGFBR1 protein (p.Gln103Glu). This variant is not present in population databases (gnomAD no frequency). This variant has not been reported in the literature in individuals affected with TGFBR1-related conditions. ClinVar contains an entry for this variant (Variation ID: 1405996). Invitae Evidence Modeling of protein sequence and biophysical properties (such as structural, functional, and spatial information, amino acid conservation, physicochemical variation, residue mobility, and thermodynamic stability) indicates that this missense variant is not expected to disrupt TGFBR1 protein function with a negative predictive value of 80%. In summary, the available evidence is currently insufficient to determine the role of this variant in disease. Therefore, it has been classified as a Variant of Uncertain Significance.

Ambry Genetics
Classification: Uncertain significance for Familial thoracic aortic aneurysm and aortic dissection. Last evaluated: 2022-11-17. Review status: criteria provided, single submitter. Criteria: Ambry Variant Classification Scheme 2023. Collection method: clinical testing. Allele origin: germline.
Comment: The p.Q103E variant (also known as c.307C>G), located in coding exon 2 of the TGFBR1 gene, results from a C to G substitution at nucleotide position 307. The glutamine at codon 103 is replaced by glutamic acid, an amino acid with highly similar properties. This amino acid position is conserved. In addition, this alteration is predicted to be tolerated by in silico analysis. Since supporting evidence is limited at this time, the clinical significance of this alteration remains unclear.